The following is an entry in ClinVar:

ClinVar aggregate classification (germline): Uncertain significance (1 of 4 stars; one submission).

Conditions:
Catecholaminergic polymorphic ventricular tachycardia (CVPT). Also called: Catecholamine-induced polymorphic ventricular tachycardia. Identifiers: Orphanet 3286, MedGen C5574922, MONDO:0017990.

Submission:

All of Us Research Program, National Institutes of Health
Classification: Uncertain significance for Catecholaminergic polymorphic ventricular tachycardia. Last evaluated: 2023-05-16. Review status: criteria provided, single submitter. Criteria: ACMG Guidelines, 2015. Collection method: clinical testing. Allele origin: germline. Inheritance: Autosomal dominant inheritance. Observed: 1 variant allele, 1 heterozygote.
Comment: This variant causes an A to T nucleotide substitution at the -2 position of intron 6 of the RYR2 gene. Splice site prediction tools suggest that this variant may have a significant impact on RNA splicing. Although this prediction has not been confirmed in published RNA studies, this variant is expected to result in an absent or disrupted protein product. This variant has not been reported in individuals affected with RYR2-related disorders in the literature. This variant has not been identified in the general population by the Genome Aggregation Database (gnomAD). Clinical relevance of loss-of-function RYR2 truncation and splice variants in autosomal dominant cardiovascular disorders is not clearly established. The available evidence is insufficient to determine the role of this variant in disease conclusively. Therefore, this variant is classified as a Variant of Uncertain Significance.

This study involves interpretation of variants in research participants for the purpose of population health screening. Participant phenotype was not available at the time of variant classification. Additional details can be found in publication PMID: 35346344, PMCID: PMC8962531

NM_001035.3(RYR2):c.385-2A>T

Gene: RYR2 (ryanodine receptor 2; plus strand). Cytogenetic location: 1q43.
Variant type: single nucleotide variant.
Coding change: c.385-2A>T on transcript NM_001035.3 (MANE Select); the canonical splice acceptor site of the intron before coding-DNA position 385, A replaced by T.
Molecular consequence: splice acceptor variant.
Genome position (GRCh38, 1-based): chr1:237,374,715, A>T. VCF-style: chr1-237374715-A-T. GRCh37 (hg19) VCF-style: chr1-237538015-A-T.
Identifiers: ClinVar variation 3071044 (VCV003071044.1), dbSNP rs1354424434, ClinGen allele CA345374335.